The following is an entry in ClinVar:

NM_058246.4(DNAJB6):c.507C>T (p.His169=)

Gene: DNAJB6 (DnaJ heat shock protein family (Hsp40) member B6; plus strand). Cytogenetic location: 7q36.3.
Variant type: single nucleotide variant.
Coding change: c.507C>T on transcript NM_058246.4 (MANE Select); coding-DNA position 507, C replaced by T.
Protein change: p.His169=; no amino-acid change (histidine 169 retained).
Molecular consequence: synonymous variant. On other transcripts: intron variant (1).
Genome position (GRCh38, 1-based): chr7:157,384,895, C>T. VCF-style: chr7-157384895-C-T. GRCh37 (hg19) VCF-style: chr7-157177589-C-T.
Other names: c.507C>T, p.His169= (NM_005494.3); c.346+17412C>T (NM_001363676.1).
Identifiers: ClinVar variation 703105 (VCV000703105.21), dbSNP rs199967671, ClinGen allele CA4590543.

ClinVar aggregate classification (germline): Benign/Likely benign. Review status: criteria provided, multiple submitters, no conflicts (2 of 4 stars). 2 submissions from 2 submitters: Benign (1); Likely benign (1). Last evaluated 2025-03-24.

Conditions:
Autosomal dominant limb-girdle muscular dystrophy type 1D (DNAJB6) (LGMDD1). Also called: Autosomal dominant limb-girdle muscular dystrophy type 1D; MUSCULAR DYSTROPHY, LIMB-GIRDLE, TYPE 1D; Muscular dystrophy, limb-girdle, autosomal dominant 1; MUSCULAR DYSTROPHY, AUTOSOMAL DOMINANT, WITH RIMMED VACUOLES. Identifiers: Orphanet 34516, MedGen C4721885, MONDO:0021018, OMIM 603511.

Allele frequency attached by ClinVar (database versions not stated): gnomAD 0.00004 and 0.00006; TOPMed 0.00005; 1000 Genomes Project 30x 0.00047; 1000 Genomes Project 0.00060.
gnomAD v4.1: 91 of 1,613,068 alleles (0.0056%); highest among the groups gnomAD compares: East Asian, 0.12%; 1 homozygote.

Submissions (2):

Labcorp Genetics (formerly Invitae), Labcorp
Classification: Benign for Autosomal dominant limb-girdle muscular dystrophy type 1D (DNAJB6). Last evaluated: 2025-03-24. Review status: criteria provided, single submitter. Criteria: Invitae Variant Classification Sherloc (09022015). Collection method: clinical testing. Allele origin: germline.

CeGaT Center for Human Genetics Tuebingen
Classification: Likely benign. Last evaluated: 2025-03-01. Review status: criteria provided, single submitter. Criteria: CeGaT Center For Human Genetics Tuebingen Variant Classification Criteria Version 2. Collection method: clinical testing. Allele origin: germline. Affected: yes. Observed: 1 variant allele.
Comment: DNAJB6: BP4, BP7